The following is an entry in ClinVar:

ClinVar aggregate classification (germline): Pathogenic (1 of 4 stars; one submission).

Submission:

Labcorp Genetics (formerly Invitae), Labcorp
Classification: Pathogenic. Last evaluated: 2023-06-05. Review status: criteria provided, single submitter. Criteria: Invitae Variant Classification Sherloc (09022015). Collection method: clinical testing. Allele origin: germline.
Comment: For these reasons, this variant has been classified as Pathogenic. Disruption of the initiator codon has been observed in individuals with hereditary angioedema (PMID: 18535392, 21832835, 24456027; Invitae). This variant is not present in population databases (gnomAD no frequency). This sequence change affects the initiator methionine of the SERPING1 mRNA. The next in-frame methionine is located at codon 53.

Literature cited by the submitters: PubMed 18535392; PubMed 21832835; PubMed 24456027.

NM_000062.3(SERPING1):c.2T>G (p.Met1Arg)

Gene: SERPING1 (serpin family G member 1; plus strand). Cytogenetic location: 11q12.1.
Variant type: single nucleotide variant.
Coding change: c.2T>G on transcript NM_000062.3 (MANE Select); coding-DNA position 2, T replaced by G.
Protein change: p.Met1Arg; changes the start codon (methionine 1).
Molecular consequence: missense variant, initiator codon variant.
Genome position (GRCh38, 1-based): chr11:57,598,272, T>G. VCF-style: chr11-57598272-T-G. GRCh37 (hg19) VCF-style: chr11-57365745-T-G.
Other names: c.2T>G, p.Met1Arg (NM_001032295.2); short protein forms M1R.
Identifiers: ClinVar variation 2910260 (VCV002910260.3), dbSNP rs2495420943, ClinGen allele CA380693210.